The following is an entry in ClinVar:

NM_013275.6(ANKRD11):c.2535del (p.Leu845fs)

Gene: ANKRD11 (ankyrin repeat domain 11; minus strand). Cytogenetic location: 16q24.3.
Variant type: Deletion.
Coding change: c.2535del on transcript NM_013275.6 (MANE Select); coding-DNA position 2535, one base deleted (G; older notation c.2535delG).
Protein change: p.Leu845fs; shifts the reading frame from leucine 845.
Molecular consequence: frameshift variant.
Genome position (GRCh38, 1-based): chr16:89,284,007, C deleted on the plus strand (G on the coding strand, the reverse complement: ANKRD11 is on the minus strand). VCF-style (leftmost placement, unchanged base first): chr16-89284006-AC-A. GRCh37 (hg19) VCF-style: chr16-89350414-AC-A.
Other names: c.2535del, p.Leu845fs (NM_001256182.2, NM_001256183.2); short protein forms L845fs.
Identifiers: ClinVar variation 3901033 (VCV003901033.1).

ClinVar aggregate classification (germline): Likely pathogenic (1 of 4 stars; one submission).

Conditions:
KBG syndrome (KBGS). Also called: ANKRD11-Related KBG Syndrome. Identifiers: Orphanet 2332, MedGen C0220687, MONDO:0007846, OMIM 148050.

Submission:

Laboratorio de Genetica e Diagnostico Molecular, Hospital Israelita Albert Einstein
Classification: Likely pathogenic for KBG syndrome. Last evaluated: 2025-01-29. Review status: criteria provided, single submitter. Criteria: ACMG Guidelines, 2015. Collection method: clinical testing. Allele origin: germline. Affected: yes.
Comment: ACMG classification criteria: PVS1 very strong, PM2 supporting